The following is an entry in ClinVar:

ClinVar aggregate classification (germline): Pathogenic. Review status: criteria provided, multiple submitters, no conflicts (2 of 4 stars). 3 submissions from 3 submitters: Pathogenic (2). 1 of the submissions does not count toward it. Last evaluated 2025-01-30.

Conditions:
NKX2-1-Related Disorders. Also called: NKX2-1-related disorder. Identifiers: MedGen CN381057.
Brain-lung-thyroid syndrome. Also called: Choreoathetosis, congenital hypothyroidism, and neonatal respiratory distress; Choreoathetosis, Congenital Hypothyroidism, and Neonatal Respiratory Distress Syndrome (Brain-Lung-Thyroid Syndrome); CHOREOATHETOSIS AND CONGENITAL HYPOTHYROIDISM WITH PULMONARY DYSFUNCTION. Identifiers: Orphanet 209905, MedGen C1970269, MONDO:0012593, OMIM 610978.

Submissions (3):

Rady Children's Institute for Genomic Medicine, Rady Children's Hospital San Diego
Classification: Pathogenic for NKX2-1 related disorders. Last evaluated: 2025-01-30. Review status: criteria provided, single submitter. Criteria: ACMG Guidelines, 2015. Collection method: clinical testing. Allele origin: germline. Affected: yes.
Comment: This variant is also referred to as c.254dup (p.Tyr86LeufsTer323) (based on alternate transcript NM_003317.3) and c.255insG in the literature. This frameshifting variant is predicted to result in protein extension beyond the last exon of NKX2-1; therefore, the resulting mRNA is predicted to escape nonsense-mediated decay. This variant has been previously reported as a de novo change in individuals with features including respiratory distress, hypotonia, psychomotor delay, chorea/dyskinesia, and thyroid disorders (PMID: 11854318, 28732825, 35599849, 36733766). Functional studies indicate this variant may lead to reduced promoter activation of SFTP-A, SFTP-B, SFTP-C, ABCA3 and thryoglobulin (PMID: 36733766, 11854318). The c.344dup (p.Tyr116LeufsTer323) variant is absent from the latest version of the gnomAD population database and thus is presumed to be rare. Based on parental analysis, this variant likely occurred as a de novo event. Based on the available evidence, c.344dup (p.Tyr116LeufsTer323) is classified as Pathogenic.

Molecular Genetics Laboratory, BC Children's and BC Women's Hospitals
Classification: Pathogenic for Brain-lung-thyroid syndrome. Last evaluated: 2018-04-24. Review status: criteria provided, single submitter. Criteria: ACMG Guidelines, 2015. Collection method: clinical testing. Allele origin: de novo. Affected: yes.

OMIM
Classification: Pathogenic for CHOREOATHETOSIS AND CONGENITAL HYPOTHYROIDISM WITH PULMONARY DYSFUNCTION. Last evaluated: 2002-02-01. Review status: no assertion criteria provided. Collection method: literature only. Allele origin: germline. Not counted in ClinVar's aggregate classification.

Literature cited by the submitters: PubMed 11854318 (cited by Rady Children's Institute for Genomic Medicine, Rady Children's Hospital San Diego and OMIM); PubMed 28732825 (cited by Rady Children's Institute for Genomic Medicine, Rady Children's Hospital San Diego); PubMed 35599849 (cited by Rady Children's Institute for Genomic Medicine, Rady Children's Hospital San Diego); PubMed 36733766 (cited by Rady Children's Institute for Genomic Medicine, Rady Children's Hospital San Diego).

NM_001079668.3(NKX2-1):c.344dup (p.Tyr116fs)

Genes: NKX2-1 (NK2 homeobox 1; minus strand), SFTA3 (surfactant associated 3; minus strand). Cytogenetic location: 14q13.3.
Variant type: Duplication.
Coding change: c.344dup on transcript NM_001079668.3 (MANE Select); coding-DNA position 344, one base duplicated (G; older notation c.344dupG).
Protein change: p.Tyr116fs; shifts the reading frame from tyrosine 116.
Molecular consequence: frameshift variant.
Genome position (GRCh38, 1-based): chr14:36,519,104, C duplicated on the plus strand (G on the coding strand, the reverse complement: NKX2-1 is on the minus strand); the first of 6 consecutive C bases (chr14:36,519,104-36,519,109); duplicating any one gives the same sequence. VCF-style (leftmost placement, unchanged base first): chr14-36519103-G-GC. GRCh37 (hg19) VCF-style: chr14-36988308-G-GC.
Other names: c.344dup (NM_001079668.2); c.344dupG (NM_001079668.2); c.254dup, p.Tyr86fs (NM_003317.4); short protein forms Y116fs, Y86fs.
Identifiers: ClinVar variation 8981 (VCV000008981.2), dbSNP rs587776709, ClinGen allele CA120030.